The following is an entry in ClinVar:

ClinVar aggregate classification (germline): Conflicting classifications of pathogenicity. Review status: criteria provided, conflicting classifications (1 of 4 stars). 5 submissions from 5 submitters: Uncertain significance (1); Likely benign (3). 1 of the submissions does not count toward it. Last evaluated 2025-05-22.

Conditions:
NEK1-related disorder. Also called: NEK1-related condition.
Short-rib thoracic dysplasia 6 with or without polydactyly (SRTD6). Also called: Majewski Syndrome; SHORT-RIB THORACIC DYSPLASIA 6 WITH POLYDACTYLY; SHORT-RIB THORACIC DYSPLASIA 6 WITHOUT POLYDACTYLY; SHORT RIB-POLYDACTYLY SYNDROME, TYPE IIA; POLYDACTYLY WITH NEONATAL CHONDRODYSTROPHY, TYPE II. Identifiers: MedGen C0024507, MONDO:0009894, OMIM 263520.

Allele frequency attached by ClinVar (database versions not stated): gnomAD exomes 0.00005; gnomAD 0.00011 and 0.00014; TOPMed 0.00013; ExAC 0.00014; ESP Exome Variant Server 0.00017.
gnomAD v4.1: 31 of 1,529,198 alleles (0.002%); highest among the groups gnomAD compares: African/African-American, 0.032%; no homozygotes.

Submissions (5):

Labcorp Genetics (formerly Invitae), Labcorp
Classification: Likely benign for Short-rib thoracic dysplasia 6 with or without polydactyly. Last evaluated: 2025-05-22. Review status: criteria provided, single submitter. Criteria: Invitae Variant Classification Sherloc (09022015). Collection method: clinical testing. Allele origin: germline.

ARUP Laboratories, Molecular Genetics and Genomics, ARUP Laboratories
Classification: Likely benign. Last evaluated: 2019-10-31. Review status: criteria provided, single submitter. Criteria: ARUP Molecular Germline Variant Investigation Process. Collection method: clinical testing. Allele origin: germline.

GeneDx
Classification: Likely benign. Last evaluated: 2018-01-12. Review status: criteria provided, single submitter. Criteria: GeneDx Variant Classification (06012015). Collection method: clinical testing. Allele origin: germline. Affected: yes.
Comment: This variant is considered likely benign or benign based on one or more of the following criteria: it is a conservative change, it occurs at a poorly conserved position in the protein, it is predicted to be benign by multiple in silico algorithms, and/or has population frequency not consistent with disease.

Eurofins Ntd Llc (ga)
Classification: Uncertain significance. Last evaluated: 2015-02-27. Review status: criteria provided, single submitter. Criteria: EGL Classification Definitions 2015. Collection method: clinical testing. Allele origin: germline. Observed: 1 variant allele, 1 heterozygote.

PreventionGenetics, part of Exact Sciences
Classification: Likely benign for NEK1-related condition. Last evaluated: 2019-04-05. Review status: no assertion criteria provided. Collection method: clinical testing. Allele origin: germline. Not counted in ClinVar's aggregate classification.
Comment: This variant is classified as likely benign based on ACMG/AMP sequence variant interpretation guidelines (Richards et al. 2015 PMID: 25741868, with internal and published modifications).

NM_001199397.3(NEK1):c.594A>G (p.Thr198=)

Gene: NEK1 (NIMA related kinase 1; minus strand). Cytogenetic location: 4q33.
Variant type: single nucleotide variant.
Coding change: c.594A>G on transcript NM_001199397.3 (MANE Select); coding-DNA position 594, A replaced by G.
Protein change: p.Thr198=; no amino-acid change (threonine 198 retained).
Molecular consequence: synonymous variant. On other transcripts: non-coding transcript variant (1).
Genome position (GRCh38, 1-based): chr4:169,587,571, T>C on the plus strand (A>G on the coding strand, the complement: NEK1 is on the minus strand). VCF-style: chr4-169587571-T-C. GRCh37 (hg19) VCF-style: chr4-170508722-T-C.
Other names: c.594A>G, p.Thr198= (NM_001199398.3, NM_001199399.3, NM_001199400.3 and 7 more transcripts).
Identifiers: ClinVar variation 198850 (VCV000198850.18), dbSNP rs373252814, ClinGen allele CA247697.